The following is an entry in ClinVar:

NM_002439.5(MSH3):c.1427A>T (p.Tyr476Phe)

Gene: MSH3 (mutS homolog 3; plus strand). Cytogenetic location: 5q14.1.
Variant type: single nucleotide variant.
Coding change: c.1427A>T on transcript NM_002439.5 (MANE Select); coding-DNA position 1427, A replaced by T.
Protein change: p.Tyr476Phe; replaces tyrosine 476 with phenylalanine.
Molecular consequence: missense variant.
Genome position (GRCh38, 1-based): chr5:80,725,539, A>T. VCF-style: chr5-80725539-A-T. GRCh37 (hg19) VCF-style: chr5-80021358-A-T.
Other names: c.1427A>T (NM_002439.3); short protein forms Y476F.
Identifiers: ClinVar variation 1501717 (VCV001501717.7), dbSNP rs2112855532, ClinGen allele CA360273665.

ClinVar aggregate classification (germline): Uncertain significance. Review status: criteria provided, multiple submitters, no conflicts (2 of 4 stars). 2 submissions from 2 submitters: Uncertain significance (2). Last evaluated 2025-01-05.

Conditions:
Hereditary cancer-predisposing syndrome. Also called: Hereditary neoplastic syndrome; Tumor predisposition; Neoplastic Syndromes, Hereditary; Hereditary Cancer Syndrome. Identifiers: Orphanet 140162, MedGen C0027672, MeSH D009386, MONDO:0015356.

Submissions (2):

Ambry Genetics
Classification: Uncertain significance for Hereditary cancer-predisposing syndrome. Last evaluated: 2025-01-05. Review status: criteria provided, single submitter. Criteria: Ambry Variant Classification Scheme 2023. Collection method: clinical testing. Allele origin: germline.
Comment: The p.Y476F variant (also known as c.1427A>T), located in coding exon 9 of the MSH3 gene, results from an A to T substitution at nucleotide position 1427. The tyrosine at codon 476 is replaced by phenylalanine, an amino acid with highly similar properties. This amino acid position is conserved. In addition, the in silico prediction for this alteration is inconclusive. Based on the available evidence, the clinical significance of this variant remains unclear.

Labcorp Genetics (formerly Invitae), Labcorp
Classification: Uncertain significance. Last evaluated: 2021-08-30. Review status: criteria provided, single submitter. Criteria: Invitae Variant Classification Sherloc (09022015). Collection method: clinical testing. Allele origin: germline.
Comment: In summary, the available evidence is currently insufficient to determine the role of this variant in disease. Therefore, it has been classified as a Variant of Uncertain Significance. Algorithms developed to predict the effect of missense changes on protein structure and function are either unavailable or do not agree on the potential impact of this missense change (SIFT: "Deleterious"; PolyPhen-2: "Benign"; Align-GVGD: "Class C0"). This variant has not been reported in the literature in individuals affected with MSH3-related conditions. This variant is not present in population databases (ExAC no frequency). This sequence change replaces tyrosine with phenylalanine at codon 476 of the MSH3 protein (p.Tyr476Phe). The tyrosine residue is moderately conserved and there is a small physicochemical difference between tyrosine and phenylalanine.